The following is an entry in ClinVar:

ClinVar aggregate classification (germline): Uncertain significance. Review status: criteria provided, multiple submitters, no conflicts (2 of 4 stars). 2 submissions from 2 submitters: Uncertain significance (2). Last evaluated 2024-12-12.

Conditions:
Inborn genetic diseases. Identifiers: MedGen C0950123, MeSH D030342.
ADCY3-related disorder. Also called: ADCY3-related condition.

Allele frequency attached by ClinVar (database versions not stated): gnomAD exomes below 0.00001; gnomAD 0.00002.
gnomAD v4.1: 4 of 1,558,936 alleles (0.00026%); highest among the groups gnomAD compares: African/African-American, 0.0028%; no homozygotes.

Submissions (2):

PreventionGenetics, part of Exact Sciences
Classification: Uncertain significance for ADCY3-related condition. Last evaluated: 2024-12-12. Review status: criteria provided, single submitter. Criteria: ACMG Guidelines, 2015. Collection method: clinical testing. Allele origin: germline.
Comment: The ADCY3 c.1961A>G variant is predicted to result in the amino acid substitution p.Asp654Gly. To our knowledge, this variant has not been reported in the literature. This variant is reported in 0.0062% of alleles in individuals of African descent in gnomAD. At this time, the clinical significance of this variant is uncertain due to the absence of conclusive functional and genetic evidence.

Ambry Genetics
Classification: Uncertain significance for Inborn genetic diseases. Last evaluated: 2023-12-30. Review status: criteria provided, single submitter. Criteria: Ambry Variant Classification Scheme 2023. Collection method: clinical testing. Allele origin: germline.

NM_004036.5(ADCY3):c.1961A>G (p.Asp654Gly)

Gene: ADCY3 (adenylate cyclase 3; minus strand). Cytogenetic location: 2p23.3.
Variant type: single nucleotide variant.
Coding change: c.1961A>G on transcript NM_004036.5 (MANE Select); coding-DNA position 1961, A replaced by G.
Protein change: p.Asp654Gly; replaces aspartic acid 654 with glycine.
Molecular consequence: missense variant.
Genome position (GRCh38, 1-based): chr2:24,834,491, T>C on the plus strand (A>G on the coding strand, the complement: ADCY3 is on the minus strand). VCF-style: chr2-24834491-T-C. GRCh37 (hg19) VCF-style: chr2-25057360-T-C.
Other names: c.1961A>G, p.Asp654Gly (NM_001320613.2, NM_001377129.1, NM_001377130.1 and 1 more transcripts); c.2027A>G, p.Asp676Gly (NM_001377128.1); c.1238A>G, p.Asp413Gly (NM_001377131.1); c.1961A>G (NM_001320613.1); short protein forms D676G, D413G, D654G.
Identifiers: ClinVar variation 3081552 (VCV003081552.2), dbSNP rs1002410477, ClinGen allele CA43631928.